The following is an entry in ClinVar:

NM_022725.4(FANCF):c.24G>C (p.Leu8=)

Gene: FANCF (FA complementation group F; minus strand). Cytogenetic location: 11p14.3.
Variant type: single nucleotide variant.
Coding change: c.24G>C on transcript NM_022725.4 (MANE Select); coding-DNA position 24, G replaced by C.
Protein change: p.Leu8=; no amino-acid change (leucine 8 retained).
Molecular consequence: synonymous variant.
Genome position (GRCh38, 1-based): chr11:22,625,787, C>G on the plus strand (G>C on the coding strand, the complement: FANCF is on the minus strand). VCF-style: chr11-22625787-C-G. GRCh37 (hg19) VCF-style: chr11-22647333-C-G.
Identifiers: ClinVar variation 1451961 (VCV001451961.32), dbSNP rs1035401874, ClinGen allele CA219086678.

ClinVar aggregate classification (germline): Likely benign. Review status: criteria provided, multiple submitters, no conflicts (2 of 4 stars). 3 submissions from 3 submitters: Likely benign (3). Last evaluated 2025-08-06.

Conditions:
Fanconi anemia (FA). Also called: Fanconi's anemia. Identifiers: Orphanet 84, MedGen C0015625, MeSH D005199, MONDO:0019391.

Allele frequency attached by ClinVar (database versions not stated): gnomAD exomes below 0.00001; gnomAD 0.00001; TOPMed 0.00002.

Submissions (3):

Labcorp Genetics (formerly Invitae), Labcorp
Classification: Likely benign for Fanconi anemia. Last evaluated: 2025-08-06. Review status: criteria provided, single submitter. Criteria: Invitae Variant Classification Sherloc (09022015). Collection method: clinical testing. Allele origin: germline.

CeGaT Center for Human Genetics Tuebingen
Classification: Likely benign. Last evaluated: 2022-10-01. Review status: criteria provided, single submitter. Criteria: CeGaT Center For Human Genetics Tuebingen Variant Classification Criteria Version 2. Collection method: clinical testing. Allele origin: germline. Affected: yes. Observed: 1 variant allele.
Comment: FANCF: BP4, BP7

Sema4
Classification: Likely benign for Fanconi anemia. Last evaluated: 2022-02-10. Review status: criteria provided, single submitter. Criteria: Sema4 Curation Guidelines. Collection method: curation. Allele origin: germline.